The following is an entry in ClinVar:

NM_004752.4(GCM2):c.485C>T (p.Pro162Leu)

Gene: GCM2 (glial cells missing transcription factor 2; minus strand). Cytogenetic location: 6p24.2.
Variant type: single nucleotide variant.
Coding change: c.485C>T on transcript NM_004752.4 (MANE Select); coding-DNA position 485, C replaced by T.
Protein change: p.Pro162Leu; replaces proline 162 with leucine.
Molecular consequence: missense variant.
Genome position (GRCh38, 1-based): chr6:10,875,988, G>A on the plus strand (C>T on the coding strand, the complement: GCM2 is on the minus strand). VCF-style: chr6-10875988-G-A. GRCh37 (hg19) VCF-style: chr6-10876221-G-A.
Other names: short protein forms P162L.
Identifiers: ClinVar variation 4742138 (VCV004742138.1).
Genomic context (GRCh38, chr6:10,875,988, plus strand): 5'-AAAGAGGCCATTTGTCTCTTGATGGCGCTTCTTCTAGCTTCTGTCTCTGATTTGCTCTCT[G>A]GTCTTGGATGATCATGAACTCCCTTGGCCTGCGATAACGAGAAAATGAATCATACATTTG-3'
Protein context (NP_004743.1, residues 152-172): QAKGVHDHPR[Pro162Leu]ESKSETEARR

ClinVar aggregate classification (germline): Uncertain significance (1 of 4 stars; one submission).

gnomAD v4.1: 1 of 1,613,660 alleles (0.000062%); highest among the groups gnomAD compares: South Asian, 0.0011%; no homozygotes.

Submission:

Labcorp Genetics (formerly Invitae), Labcorp
Classification: Uncertain significance. Last evaluated: 2025-05-18. Review status: criteria provided, single submitter. Criteria: Invitae Variant Classification Sherloc (09022015). Collection method: clinical testing. Allele origin: germline.
Comment: This sequence change replaces proline, which is neutral and non-polar, with leucine, which is neutral and non-polar, at codon 162 of the GCM2 protein (p.Pro162Leu). This variant is not present in population databases (gnomAD no frequency). This variant has not been reported in the literature in individuals affected with GCM2-related conditions. Invitae Evidence Modeling of protein sequence and biophysical properties (such as structural, functional, and spatial information, amino acid conservation, physicochemical variation, residue mobility, and thermodynamic stability) indicates that this missense variant is expected to disrupt GCM2 protein function with a positive predictive value of 80%. In summary, the available evidence is currently insufficient to determine the role of this variant in disease. Therefore, it has been classified as a Variant of Uncertain Significance.